The following is an entry in ClinVar:

NM_014233.4(UBTF):c.59-143C>T

Genes: UBTF (upstream binding transcription factor; minus strand), ATXN7L3-AS1 (ATXN7L3 antisense RNA 1; plus strand). Cytogenetic location: 17q21.31.
Variant type: single nucleotide variant.
Coding change: c.59-143C>T on transcript NM_014233.4 (MANE Select); 143 bases into the intron before coding-DNA position 59, C replaced by T.
Molecular consequence: intron variant.
Genome position (GRCh38, 1-based): chr17:44,216,847, G>A on the plus strand (C>T on the coding strand, the complement: UBTF is on the minus strand). VCF-style: chr17-44216847-G-A. GRCh37 (hg19) VCF-style: chr17-42294215-G-A.
Other names: c.59-143C>T (NM_001076683.2, NM_001076684.3).
Identifiers: ClinVar variation 1231668 (VCV001231668.4), dbSNP rs2269907, ClinGen allele CA14402636.

ClinVar aggregate classification (germline): Benign. Review status: criteria provided, multiple submitters, no conflicts (2 of 4 stars). 2 submissions from 2 submitters: Benign (2). Last evaluated 2021-05-15.

Allele frequency attached by ClinVar (database versions not stated): gnomAD exomes 0.37649; gnomAD 0.51411 and 0.52082; TOPMed 0.54328; 1000 Genomes Project 0.59085; 1000 Genomes Project 30x 0.59385.
gnomAD v4.1: 312,879 of 773,292 alleles (40%); highest among the groups gnomAD compares: African/African-American, 87%; 74,647 homozygotes.

Submissions (2):

GeneDx
Classification: Benign. Last evaluated: 2021-05-15. Review status: criteria provided, single submitter. Criteria: GeneDx Variant Classification Process June 2021. Collection method: clinical testing. Allele origin: germline. Affected: yes.
Comment: This variant is associated with the following publications: (PMID: 27259154)

Breakthrough Genomics
Classification: Benign. Review status: criteria provided, single submitter. Criteria: ACMG Guidelines, 2015. Collection method: not provided. Allele origin: germline. Inheritance: Autosomal dominant inheritance. Affected: yes.